The following is an entry in ClinVar:

ClinVar aggregate classification (germline): Uncertain significance. Review status: criteria provided, multiple submitters, no conflicts (2 of 4 stars). 2 submissions from 2 submitters: Uncertain significance (2). Last evaluated 2026-07-20.

Conditions:
Facioscapulohumeral muscular dystrophy 2 (FSHD2). Also called: MUSCULAR DYSTROPHY, FACIOSCAPULOHUMERAL, TYPE 1B; FACIOSCAPULOHUMERAL MUSCULAR DYSTROPHY 2, DIGENIC; FSHD2, DIGENIC. Identifiers: Orphanet 269, MedGen C1834671, MONDO:0008031, OMIM 158901.
Inborn genetic diseases. Identifiers: MedGen C0950123, MeSH D030342.

gnomAD v4.1: 18 of 1,601,294 alleles (0.0011%); highest among the groups gnomAD compares: Middle Eastern, 0.019%; no homozygotes.

Submissions (2):

Ambry Genetics
Classification: Uncertain significance for Inborn genetic diseases. Last evaluated: 2026-07-20. Review status: criteria provided, single submitter. Criteria: Ambry Variant Classification Scheme 2023. Collection method: clinical testing. Allele origin: germline.
Comment: The c.2236G>A (p.V746I) alteration is located in exon 17 (coding exon 17) of the SMCHD1 gene. This alteration results from a G to A substitution at nucleotide position 2236, causing the valine (V) at amino acid position 746 to be replaced by an isoleucine (I). Based on data from gnomAD, the A allele has an overall frequency of <0.001% (0/237714) total alleles studied. The highest observed frequency was <0.001% (/) of alleles. Based on insufficient or conflicting evidence, the clinical significance of this alteration remains unclear.

Labcorp Genetics (formerly Invitae), Labcorp
Classification: Uncertain significance for Facioscapulohumeral muscular dystrophy 2. Last evaluated: 2025-12-08. Review status: criteria provided, single submitter. Criteria: Invitae Variant Classification Sherloc (09022015). Collection method: clinical testing. Allele origin: germline.
Comment: This sequence change replaces valine, which is neutral and non-polar, with isoleucine, which is neutral and non-polar, at codon 746 of the SMCHD1 protein (p.Val746Ile). This variant is not present in population databases (gnomAD no frequency). This variant has not been reported in the literature in individuals affected with SMCHD1-related conditions. ClinVar contains an entry for this variant (Variation ID: 3666260). Invitae Evidence Modeling of protein sequence and biophysical properties (such as structural, functional, and spatial information, amino acid conservation, physicochemical variation, residue mobility, and thermodynamic stability) indicates that this missense variant is not expected to disrupt SMCHD1 protein function with a negative predictive value of 80%. In summary, the available evidence is currently insufficient to determine the role of this variant in disease. Therefore, it has been classified as a Variant of Uncertain Significance.

NM_015295.3(SMCHD1):c.2236G>A (p.Val746Ile)

Gene: SMCHD1 (structural maintenance of chromosomes flexible hinge domain containing 1; plus strand). Cytogenetic location: 18p11.32.
Variant type: single nucleotide variant.
Coding change: c.2236G>A on transcript NM_015295.3 (MANE Select); coding-DNA position 2236, G replaced by A.
Protein change: p.Val746Ile; replaces valine 746 with isoleucine.
Molecular consequence: missense variant.
Genome position (GRCh38, 1-based): chr18:2,707,896, G>A. VCF-style: chr18-2707896-G-A. GRCh37 (hg19) VCF-style: chr18-2707894-G-A.
Other names: c.2236G>A (NM_015295.2); short protein forms V746I.
Identifiers: ClinVar variation 3666260 (VCV003666260.3).